The following is an entry in ClinVar:

NM_006392.4(NOP56):c.1561G>C (p.Asp521His)

Gene: NOP56 (NOP56 ribonucleoprotein; plus strand). Cytogenetic location: 20p13.
Variant type: single nucleotide variant.
Coding change: c.1561G>C on transcript NM_006392.4 (MANE Select); coding-DNA position 1561, G replaced by C.
Protein change: p.Asp521His; replaces aspartic acid 521 with histidine.
Molecular consequence: missense variant. On other transcripts: non-coding transcript variant (2).
Genome position (GRCh38, 1-based): chr20:2,658,070, G>C. VCF-style: chr20-2658070-G-C. GRCh37 (hg19) VCF-style: chr20-2638716-G-C.
Other names: short protein forms D521H.
Identifiers: ClinVar variation 2612709 (VCV002612709.20), dbSNP rs770566259, ClinGen allele CA9734908.

ClinVar aggregate classification (germline): Uncertain significance. Review status: criteria provided, multiple submitters, no conflicts (2 of 4 stars). 2 submissions from 2 submitters: Uncertain significance (2). Last evaluated 2024-07-01.

Conditions:
Inborn genetic diseases. Identifiers: MedGen C0950123, MeSH D030342.

gnomAD v4.1: 45 of 1,613,774 alleles (0.0028%); highest among the groups gnomAD compares: Middle Eastern, 0.033%; no homozygotes.

Submissions (2):

CeGaT Center for Human Genetics Tuebingen
Classification: Uncertain significance. Last evaluated: 2024-07-01. Review status: criteria provided, single submitter. Criteria: CeGaT Center For Human Genetics Tuebingen Variant Classification Criteria Version 2. Collection method: clinical testing. Allele origin: germline. Affected: yes. Observed: 1 variant allele.
Comment: NOP56: PM2, BP4

Ambry Genetics
Classification: Uncertain significance for Inborn genetic diseases. Last evaluated: 2023-07-19. Review status: criteria provided, single submitter. Criteria: Ambry Variant Classification Scheme 2023. Collection method: clinical testing. Allele origin: germline.